The following is an entry in ClinVar:

ClinVar aggregate classification (germline): Pathogenic/Likely pathogenic. Review status: criteria provided, multiple submitters, no conflicts (2 of 4 stars). 9 submissions from 9 submitters: Pathogenic (6); Likely pathogenic (3). Last evaluated 2026-09-09.

Conditions:
Familial hypokalemia-hypomagnesemia (GTLMNS). Also called: POTASSIUM AND MAGNESIUM DEPLETION; gitelman syndrome; HYPOMAGNESEMIA-HYPOKALEMIA, PRIMARY RENOTUBULAR, WITH HYPOCALCIURIA. Identifiers: Orphanet 358, MedGen C0268450, MONDO:0009904, OMIM 263800.

Allele frequency attached by ClinVar (database versions not stated): gnomAD 0.00001; TOPMed 0.00001; ExAC 0.00002; gnomAD exomes 0.00002 and 0.00003.
gnomAD v4.1: 37 of 1,613,996 alleles (0.0023%); highest among the groups gnomAD compares: Non-Finnish European, 0.0027%; no homozygotes.

Submissions (9):

GeneDx
Classification: Pathogenic. Last evaluated: 2026-09-09. Review status: criteria provided, single submitter. Criteria: GeneDx Variant Classification Process June 2021. Collection method: clinical testing. Allele origin: germline.
Comment: In silico analysis supports that this missense variant has a deleterious effect on protein structure/function; This variant is associated with the following publications: (PMID: 34805638, 12686679, 22934535, 11168953, 22214629, 30596175, 24776766, 31398183, 25422309, 23328711, 22009145, 33532864, 21415153, 29398133, 31672324, 9734597)

Natera, Inc.
Classification: Pathogenic for Gitelman syndrome. Last evaluated: 2026-01-07. Review status: criteria provided, single submitter. Criteria: Natera Variant Classification Schema (03/2026). Collection method: clinical testing. Allele origin: germline.
Comment: The c.1963C>T variant in SLC12A3 is a missense variant predicted to cause substitution of arginine to cysteine at amino acid 655. This variant is rare in the general population with a frequency below the threshold expected for the associated phenotype(s). This variant has been observed in one or more individuals affected with the associated recessive disease, as either homozygous or compound heterozygous with a second variant (PMID: 9734597, 29398133, 21415153). Computational prediction algorithms indicate this variant is likely to affect gene or protein function. Given the available evidence, this variant is classified as Pathogenic.

Rare Kidney Stone Consortium and the Mayo Clinic Hyperoxaluria Center, Mayo Clinic
Classification: Likely pathogenic for Familial hypokalemia-hypomagnesemia. Last evaluated: 2025-05-01. Review status: criteria provided, single submitter. Criteria: ACMG Guidelines, 2015. Collection method: research. Allele origin: germline.
Comment: ACMG: PS1, PM2, PM3, PP3

heterozygote

Revvity Omics, Revvity
Classification: Pathogenic for Familial hypokalemia-hypomagnesemia. Last evaluated: 2024-03-27. Review status: criteria provided, single submitter. Criteria: ACMG Guidelines, 2015. Collection method: clinical testing. Allele origin: germline.

Labcorp Genetics (formerly Invitae), Labcorp
Classification: Pathogenic. Last evaluated: 2023-12-20. Review status: criteria provided, single submitter. Criteria: Invitae Variant Classification Sherloc (09022015). Collection method: clinical testing. Allele origin: germline.
Comment: This sequence change replaces arginine, which is basic and polar, with cysteine, which is neutral and slightly polar, at codon 655 of the SLC12A3 protein (p.Arg655Cys). This variant is present in population databases (rs747249619, gnomAD 0.004%). This missense change has been observed in individuals with Gitelman syndrome (PMID: 9734597, 22214629, 23328711, 25422309). ClinVar contains an entry for this variant (Variation ID: 840885). Advanced modeling of protein sequence and biophysical properties (such as structural, functional, and spatial information, amino acid conservation, physicochemical variation, residue mobility, and thermodynamic stability) performed at Invitae indicates that this missense variant is expected to disrupt SLC12A3 protein function with a positive predictive value of 95%. This variant disrupts the p.Arg655 amino acid residue in SLC12A3. Other variant(s) that disrupt this residue have been determined to be pathogenic (PMID: 11168953, 22009145, 22934535, 24776766). This suggests that this residue is clinically significant, and that variants that disrupt this residue are likely to be disease-causing. For these reasons, this variant has been classified as Pathogenic.

MVZ Medizinische Genetik Mainz
Classification: Pathogenic for Familial hypokalemia-hypomagnesemia. Last evaluated: 2023-07-05. Review status: criteria provided, single submitter. Criteria: UK Practice Guidelines For Variant Classification V4 01 2020. Collection method: clinical testing. Allele origin: germline. Inheritance: Autosomal recessive inheritance. Affected: yes. Observed: 1 variant allele.
Comment: ACMG Criteria: PM3_VSTR,PM5,PM2_SUP,PP3,PP4; Compound Heterozygote

Genome-Nilou Lab
Classification: Likely pathogenic for Familial hypokalemia-hypomagnesemia. Last evaluated: 2021-07-15. Review status: criteria provided, single submitter. Criteria: ACMG Guidelines, 2015. Collection method: clinical testing. Allele origin: germline. Affected: no.

Molecular Biology Laboratory, Fundació Puigvert
Classification: Likely pathogenic for Familial hypokalemia-hypomagnesemia. Last evaluated: 2020-02-01. Review status: criteria provided, single submitter. Criteria: ACMG Guidelines, 2015. Collection method: research. Allele origin: germline. Affected: yes. Study: KidneyPanel_2020.

Rady Children's Institute for Genomic Medicine, Rady Children's Hospital San Diego
Classification: Pathogenic for GITELMAN SYNDROME. Review status: criteria provided, single submitter. Criteria: ACMG Guidelines, 2015. Collection method: clinical testing. Allele origin: germline. Affected: yes.
Comment: This variant has been previously reported as a compound heterozygous and homozygous change in patients with Gitelman syndrome (PMID: 31398183, 9734597, 22214629, 25422309, 23328711, 30596175). Different amino acid changes at the same residue (p.Arg655His, p.Arg655Leu) have been previously reported in individuals with Gitelman syndrome (PMID:22934535, 22009145, 11168953, 24776766, 31398183). The c.1963C>T (p.Arg655Cys) variant is present in the heterozygous state in the gnomAD population database at a frequency of 0.002789% (7/250982) and is absent in the homozygous state, thus it is presumed to be rare. The c.1963C>T (p.Arg655Cys) variant affects a moderately conserved amino acid and is predicted by multiple in silico tools to have a deleterious effect on protein function. Based on the available evidence, the c.1963C>T (p.Arg655Cys) variant is classified as Pathogenic.

Literature cited by the submitters: PubMed 9734597 (cited by 3 submitters); PubMed 29398133 (cited by Natera, Inc.); PubMed 21415153 (cited by Natera, Inc.); PubMed 33532864 (cited by Rare Kidney Stone Consortium and the Mayo Clinic Hyperoxaluria Center, Mayo Clinic and Molecular Biology Laboratory, Fundació Puigvert); PubMed 34805638 (cited by Rare Kidney Stone Consortium and the Mayo Clinic Hyperoxaluria Center, Mayo Clinic); PubMed 31398183 (cited by Rare Kidney Stone Consortium and the Mayo Clinic Hyperoxaluria Center, Mayo Clinic); PubMed 31672324 (cited by Rare Kidney Stone Consortium and the Mayo Clinic Hyperoxaluria Center, Mayo Clinic); PubMed 30596175 (cited by Rare Kidney Stone Consortium and the Mayo Clinic Hyperoxaluria Center, Mayo Clinic); PubMed 22214629 (cited by Rare Kidney Stone Consortium and the Mayo Clinic Hyperoxaluria Center, Mayo Clinic and Labcorp Genetics (formerly Invitae), Labcorp); PubMed 23328711 (cited by Labcorp Genetics (formerly Invitae), Labcorp); PubMed 25422309 (cited by Labcorp Genetics (formerly Invitae), Labcorp); PubMed 11168953 (cited by Labcorp Genetics (formerly Invitae), Labcorp); PubMed 22009145 (cited by Labcorp Genetics (formerly Invitae), Labcorp); PubMed 22934535 (cited by Labcorp Genetics (formerly Invitae), Labcorp); PubMed 24776766 (cited by Labcorp Genetics (formerly Invitae), Labcorp).

NM_001126108.2(SLC12A3):c.1963C>T (p.Arg655Cys)

Gene: SLC12A3 (solute carrier family 12 member 3; plus strand). Cytogenetic location: 16q13.
Variant type: single nucleotide variant.
Coding change: c.1963C>T on transcript NM_001126108.2 (MANE Select); coding-DNA position 1963, C replaced by T.
Protein change: p.Arg655Cys; replaces arginine 655 with cysteine.
Molecular consequence: missense variant.
Genome position (GRCh38, 1-based): chr16:56,886,401, C>T. VCF-style: chr16-56886401-C-T. GRCh37 (hg19) VCF-style: chr16-56920313-C-T.
Other names: c.1963C>T, p.Arg655Cys (NM_000339.3); c.1960C>T, p.Arg654Cys (NM_001126107.2); short protein forms R655C, R654C.
Identifiers: ClinVar variation 840885 (VCV000840885.23), dbSNP rs747249619, ClinGen allele CA8069673.